The following is an entry in ClinVar:

ClinVar aggregate classification (germline): Uncertain significance (1 of 4 stars; one submission).

Submission:

Labcorp Genetics (formerly Invitae), Labcorp
Classification: Uncertain significance. Last evaluated: 2025-03-26. Review status: criteria provided, single submitter. Criteria: Invitae Variant Classification Sherloc (09022015). Collection method: clinical testing. Allele origin: germline.
Comment: This sequence change replaces serine, which is neutral and polar, with leucine, which is neutral and non-polar, at codon 355 of the MYO3A protein (p.Ser355Leu). This variant is present in population databases (rs775180639, gnomAD 0.02%). This variant has not been reported in the literature in individuals affected with MYO3A-related conditions. Invitae Evidence Modeling of protein sequence and biophysical properties (such as structural, functional, and spatial information, amino acid conservation, physicochemical variation, residue mobility, and thermodynamic stability) indicates that this missense variant is not expected to disrupt MYO3A protein function with a negative predictive value of 80%. In summary, the available evidence is currently insufficient to determine the role of this variant in disease. Therefore, it has been classified as a Variant of Uncertain Significance.

NM_017433.5(MYO3A):c.1064C>T (p.Ser355Leu)

Gene: MYO3A (myosin IIIA; plus strand). Cytogenetic location: 10p12.1.
Variant type: single nucleotide variant.
Coding change: c.1064C>T on transcript NM_017433.5 (MANE Select); coding-DNA position 1064, C replaced by T.
Protein change: p.Ser355Leu; replaces serine 355 with leucine.
Molecular consequence: missense variant.
Genome position (GRCh38, 1-based): chr10:26,068,778, C>T. VCF-style: chr10-26068778-C-T. GRCh37 (hg19) VCF-style: chr10-26357707-C-T.
Other names: short protein forms S355L.
Identifiers: ClinVar variation 4768255 (VCV004768255.1).